The following is an entry in ClinVar:

ClinVar aggregate classification (germline): Uncertain significance (1 of 4 stars; one submission).

Conditions:
Hereditary cancer-predisposing syndrome. Also called: Tumor predisposition; Neoplastic Syndromes, Hereditary; Hereditary Cancer Syndrome; Hereditary neoplastic syndrome. Identifiers: Orphanet 140162, MedGen C0027672, MeSH D009386, MONDO:0015356.

Submission:

Ambry Genetics
Classification: Uncertain significance for Hereditary cancer-predisposing syndrome. Last evaluated: 2025-03-12. Review status: criteria provided, single submitter. Criteria: Ambry Variant Classification Scheme 2023. Collection method: clinical testing. Allele origin: germline.
Comment: The p.K467R variant (also known as c.1400A>G), located in coding exon 12 of the MRE11A gene, results from an A to G substitution at nucleotide position 1400. The lysine at codon 467 is replaced by arginine, an amino acid with highly similar properties. This amino acid position is conserved. In addition, this alteration is predicted to be tolerated by in silico analysis. Based on the available evidence, the clinical significance of this variant remains unclear.

NM_005591.4(MRE11):c.1400A>G (p.Lys467Arg)

Gene: MRE11 (MRE11 double strand break repair nuclease; minus strand). Cytogenetic location: 11q21.
Variant type: single nucleotide variant.
Coding change: c.1400A>G on transcript NM_005591.4 (MANE Select); coding-DNA position 1400, A replaced by G.
Protein change: p.Lys467Arg; replaces lysine 467 with arginine.
Molecular consequence: missense variant.
Genome position (GRCh38, 1-based): chr11:94,459,508, T>C on the plus strand (A>G on the coding strand, the complement: MRE11 is on the minus strand). VCF-style: chr11-94459508-T-C. GRCh37 (hg19) VCF-style: chr11-94192674-T-C.
Other names: c.1400A>G, p.Lys467Arg (NM_001330347.2, NM_005590.4); short protein forms K467R.
Identifiers: ClinVar variation 3874352 (VCV003874352.1).
Genomic context (GRCh38, chr11:94,459,508, plus strand): 5'-TCTTTAAGAAATCGCTGTGTTTTTTCCAACTGGTATTTCACTAATTCCTCAATGGCATCT[T>C]TCTCCTCCTTGTCCACAAATTCTTGTACTGCTTCACCCATCCCTCTTTCTGTTAGCAGTG-3'
Protein context (NP_005582.1, residues 457-477): AVQEFVDKEE[Lys467Arg]DAIEELVKYQ